The following is an entry in ClinVar:

ClinVar aggregate classification (germline): Uncertain significance (1 of 4 stars; one submission).

Submission:

GeneDx
Classification: Uncertain significance. Last evaluated: 2023-09-11. Review status: criteria provided, single submitter. Criteria: GeneDx Variant Classification Process June 2021. Collection method: clinical testing. Allele origin: germline.
Comment: Has not been previously published as pathogenic or benign to our knowledge; Not observed at significant frequency in large population cohorts (gnomAD); In silico analysis supports that this missense variant has a deleterious effect on protein structure/function; Variants in candidate genes are classified as variants of uncertain significance in accordance with ACMG guidelines (Richards et al., 2015)

NM_001377229.1(DISP1):c.2933A>G (p.Asp978Gly)

Gene: DISP1 (dispatched RND transporter family member 1; plus strand). Cytogenetic location: 1q41.
Variant type: single nucleotide variant.
Coding change: c.2933A>G on transcript NM_001377229.1 (MANE Select); coding-DNA position 2933, A replaced by G.
Protein change: p.Asp978Gly; replaces aspartic acid 978 with glycine.
Molecular consequence: missense variant.
Genome position (GRCh38, 1-based): chr1:223,004,330, A>G. VCF-style: chr1-223004330-A-G. GRCh37 (hg19) VCF-style: chr1-223177672-A-G.
Other names: c.2204A>G, p.Asp735Gly (NM_001350630.2); c.2933A>G, p.Asp978Gly (NM_001369594.1, NM_001377228.1, NM_032890.5); short protein forms D735G, D978G.
Identifiers: ClinVar variation 4891394 (VCV004891394.1).
Genomic context (GRCh38, chr1:223,004,330, plus strand): 5'-CCCCTGAAGGCCTCAGCAATGGTTGGTTTGTCAGCAATCTGGAGTTCTATGACCTCCAGG[A>G]TAGCCTCTCCGATGGCACCCTCATTGCCATGGGGCTGTCAGTTGCTGTTGCATTTAGCGT-3'
Protein context (NP_001364158.1, residues 968-988): VSNLEFYDLQ[Asp978Gly]SLSDGTLIAM